The following is an entry in ClinVar:

ClinVar aggregate classification (germline): Uncertain significance. Review status: criteria provided, multiple submitters, no conflicts (2 of 4 stars). 4 submissions from 4 submitters: Uncertain significance (2). 2 of the submissions do not count toward it. Last evaluated 2024-06-05.

Conditions:
Classic homocystinuria. Also called: Homocystinuria due to Cystathionine Beta-Synthase Deficiency; HOMOCYSTINURIA WITH OR WITHOUT RESPONSE TO PYRIDOXINE; Homocystinuria due to CBS deficiency; Cystathionine beta-synthase deficiency; CBS deficiency. Identifiers: Orphanet 394, MedGen C0751202, MONDO:0009352, OMIM 236200.
Familial thoracic aortic aneurysm and aortic dissection (TAAD). Also called: Thoracic aortic aneurysms and dissections. Identifiers: Orphanet 91387, MedGen C4707243, MONDO:0019625.
HYPERHOMOCYSTEINEMIA, THROMBOTIC, CBS-RELATED. Identifiers: MedGen C3150344, OMIM 236200.

Allele frequency attached by ClinVar (database versions not stated): gnomAD exomes below 0.00001.

Submissions (4):

Ambry Genetics
Classification: Uncertain significance for Familial thoracic aortic aneurysm and aortic dissection. Last evaluated: 2024-06-05. Review status: criteria provided, single submitter. Criteria: Ambry Variant Classification Scheme 2023. Collection method: clinical testing. Allele origin: germline.
Comment: The c.1656A>C variant (also known as p.*552Cext*31), located in coding exon 15 of the CBS gene, results from an A to C substitution at nucleotide position 1656. This alteration disrupts the stop codon of the CBS gene and is predicted to preserve the native sequence while resulting in the elongation of the protein by 31 amino acids. The exact functional effect of the additional amino acids is unknown. Based on the available evidence, the clinical significance of this variant remains unclear.

Labcorp Genetics (formerly Invitae), Labcorp
Classification: Uncertain significance for HYPERHOMOCYSTEINEMIA, THROMBOTIC, CBS-RELATED. Last evaluated: 2018-06-12. Review status: criteria provided, single submitter. Criteria: Invitae Variant Classification Sherloc (09022015). Collection method: clinical testing. Allele origin: germline.
Comment: In summary, the available evidence is currently insufficient to determine the role of this variant in disease. Therefore, it has been classified as a Variant of Uncertain Significance. This variant has not been reported in the literature in individuals with CBS-related disease. This variant is not present in population databases (ExAC no frequency). This sequence change disrupts the translational stop signal of the CBS mRNA. It is expected to extend the length of the CBS protein by 31 additional amino acid residues.

Natera, Inc.
Classification: Uncertain significance for Homocystinuria due to cystathionine beta-synthase deficiency. Last evaluated: 2021-10-19. Review status: no assertion criteria provided. Collection method: clinical testing. Allele origin: germline. Not counted in ClinVar's aggregate classification.

Counsyl
Classification: Uncertain significance for Classic homocystinuria. Last evaluated: 2018-05-10. Review status: no assertion criteria provided. Collection method: clinical testing. Allele origin: unknown. Not counted in ClinVar's aggregate classification.

NM_000071.3(CBS):c.1656A>C (p.Ter552Cys)

Gene: CBS (cystathionine beta-synthase; minus strand). Cytogenetic location: 21q22.3.
Variant type: single nucleotide variant.
Coding change: c.1656A>C on transcript NM_000071.3 (MANE Select); coding-DNA position 1656, A replaced by C.
Protein change: p.Ter552Cys.
Molecular consequence: stop lost.
Genome position (GRCh38, 1-based): chr21:43,053,880, T>G on the plus strand (A>C on the coding strand, the complement: CBS is on the minus strand). VCF-style: chr21-43053880-T-G. GRCh37 (hg19) VCF-style: chr21-44473990-T-G.
Other names: *552C; *447C; c.1656A>C, p.Ter552Cys (NM_001178008.3, NM_001178009.3, NM_001320298.2); c.1341A>C, p.Ter447Cys (NM_001321072.1).
Identifiers: ClinVar variation 558255 (VCV000558255.13), dbSNP rs1365095601, ClinGen allele CA410394475.